The following is an entry in ClinVar:

ClinVar aggregate classification (germline): Uncertain significance. Review status: criteria provided, multiple submitters, no conflicts (2 of 4 stars). 2 submissions from 2 submitters: Uncertain significance (2). Last evaluated 2025-04-21.

Conditions:
Kilquist syndrome (KILQS). Also called: SLC12A2-related autosomal recessive neonatal-developmental delay-intellectual disability-feeding difficulty-sensorineural deafness syndrome. Identifiers: Orphanet 633021, MedGen C5436756, MONDO:0033664, OMIM 619080.
Hearing loss, autosomal dominant 78. Also called: DEAFNESS, AUTOSOMAL DOMINANT 78. Identifiers: MedGen C5436768, MONDO:0033665, OMIM 619081.
Delpire-McNeill syndrome. Also called: SLC12A2-related autosomal dominant infantile-developmental delay-intellectual disability-sensorineural deafness syndrome. Identifiers: Orphanet 633024, MedGen C5436771, MONDO:0033667, OMIM 619083.

Allele frequency attached by ClinVar (database versions not stated): ExAC 0.00002; gnomAD 0.00001; ESP Exome Variant Server 0.00008; gnomAD exomes 0.00001; TOPMed 0.00002.
gnomAD v4.1: 2 of 1,612,340 alleles (0.00012%); highest among the groups gnomAD compares: African/African-American, 0.0027%; no homozygotes.

Submissions (2):

Labcorp Genetics (formerly Invitae), Labcorp
Classification: Uncertain significance. Last evaluated: 2025-04-21. Review status: criteria provided, single submitter. Criteria: Invitae Variant Classification Sherloc (09022015). Collection method: clinical testing. Allele origin: germline.
Comment: This sequence change replaces leucine, which is neutral and non-polar, with glutamine, which is neutral and polar, at codon 737 of the SLC12A2 protein (p.Leu737Gln). This variant is present in population databases (rs376802988, gnomAD 0.01%). This variant has not been reported in the literature in individuals affected with SLC12A2-related conditions. ClinVar contains an entry for this variant (Variation ID: 1473763). Invitae Evidence Modeling of protein sequence and biophysical properties (such as structural, functional, and spatial information, amino acid conservation, physicochemical variation, residue mobility, and thermodynamic stability) indicates that this missense variant is expected to disrupt SLC12A2 protein function with a positive predictive value of 80%. In summary, the available evidence is currently insufficient to determine the role of this variant in disease. Therefore, it has been classified as a Variant of Uncertain Significance.

Fulgent Genetics
Classification: Uncertain significance for Kilquist syndrome; Hearing loss, autosomal dominant 78; Delpire-McNeill syndrome. Last evaluated: 2022-03-09. Review status: criteria provided, single submitter. Criteria: ACMG Guidelines, 2015. Collection method: clinical testing. Allele origin: unknown.

NM_001046.3(SLC12A2):c.2210T>A (p.Leu737Gln)

Gene: SLC12A2 (solute carrier family 12 member 2; plus strand). Cytogenetic location: 5q23.3.
Variant type: single nucleotide variant.
Coding change: c.2210T>A on transcript NM_001046.3 (MANE Select); coding-DNA position 2210, T replaced by A.
Protein change: p.Leu737Gln; replaces leucine 737 with glutamine.
Molecular consequence: missense variant. On other transcripts: non-coding transcript variant (1).
Genome position (GRCh38, 1-based): chr5:128,151,343, T>A. VCF-style: chr5-128151343-T-A. GRCh37 (hg19) VCF-style: chr5-127487035-T-A.
Other names: c.2210T>A, p.Leu737Gln (NM_001256461.2); short protein forms L737Q.
Identifiers: ClinVar variation 1473763 (VCV001473763.7), dbSNP rs376802988, ClinGen allele CA3393310.
Genomic context (GRCh38, chr5:128,151,343, plus strand): 5'-TTCTTGGAGCAATTCTTTGTTGCATAGTAATGTTCGTCATTAACTGGTGGGCTGCATTGC[T>A]AACATATGTGATAGTCCTTGGGCTGTATATTTATGTTACCTACAAAAAACCAGGTCAGTA-3'
Protein context (NP_001037.1, residues 727-747): MFVINWWAAL[Leu737Gln]TYVIVLGLYI